The following is an entry in ClinVar:

ClinVar aggregate classification (germline): Uncertain significance (0 of 4 stars; one submission).

Conditions:
CUL4B-related disorder. Also called: CUL4B-related condition.

Submission:

PreventionGenetics, part of Exact Sciences
Classification: Uncertain significance for CUL4B-related condition. Last evaluated: 2024-05-24. Review status: no assertion criteria provided. Collection method: clinical testing. Allele origin: germline.
Comment: The CUL4B c.286C>G variant is predicted to result in the amino acid substitution p.Pro96Ala. To our knowledge, this variant has not been reported in the literature or in a large population database, indicating this variant is rare. At this time, the clinical significance of this variant is uncertain due to the absence of conclusive functional and genetic evidence.

NM_001079872.2(CUL4B):c.232C>G (p.Pro78Ala)

Genes: CUL4B (cullin 4B; minus strand), LOC113845788 (Sharpr-MPRA regulatory region 11856; plus strand). Cytogenetic location: Xq24.
Variant type: single nucleotide variant.
Coding change: c.232C>G on transcript NM_001079872.2 (MANE Select); coding-DNA position 232, C replaced by G.
Protein change: p.Pro78Ala; replaces proline 78 with alanine.
Molecular consequence: missense variant.
Genome position (GRCh38, 1-based): chrX:120,560,407, G>C on the plus strand (C>G on the coding strand, the complement: CUL4B is on the minus strand). VCF-style: chrX-120560407-G-C. GRCh37 (hg19) VCF-style: chrX-119694262-G-C.
Other names: c.247C>G, p.Pro83Ala (NM_001330624.2); c.286C>G, p.Pro96Ala (NM_003588.4); short protein forms P78A, P83A, P96A.
Identifiers: ClinVar variation 3345182 (VCV003345182.1).